The following is an entry in ClinVar:

ClinVar aggregate classification (germline): Uncertain significance (1 of 4 stars; one submission).

gnomAD v4.1: 1 of 1,614,178 alleles (0.000062%); highest among the groups gnomAD compares: Non-Finnish European, 0.000085%; no homozygotes.

Submission:

GeneDx
Classification: Uncertain significance. Last evaluated: 2026-03-09. Review status: criteria provided, single submitter. Criteria: GeneDx Variant Classification Process June 2021. Collection method: clinical testing. Allele origin: germline.
Comment: Not observed at significant frequency in large population cohorts (gnomAD); In silico analysis supports that this missense variant has a deleterious effect on protein structure/function; Has not been previously published as pathogenic or benign to our knowledge

NM_001394062.1(MACF1):c.3337T>C (p.Phe1113Leu)

Gene: MACF1 (microtubule actin crosslinking factor 1; plus strand). Cytogenetic location: 1p34.3.
Variant type: single nucleotide variant.
Coding change: c.3337T>C on transcript NM_001394062.1 (MANE Select); coding-DNA position 3337, T replaced by C.
Protein change: p.Phe1113Leu; replaces phenylalanine 1113 with leucine.
Molecular consequence: missense variant.
Genome position (GRCh38, 1-based): chr1:39,315,579, T>C. VCF-style: chr1-39315579-T-C. GRCh37 (hg19) VCF-style: chr1-39781251-T-C.
Other names: c.3352T>C, p.Phe1118Leu (NM_012090.5); short protein forms F1113L, F1118L.
Identifiers: ClinVar variation 5008722 (VCV005008722.1).